The following is an entry in ClinVar:

ClinVar aggregate classification (germline): Uncertain significance (1 of 4 stars; one submission).

Conditions:
Spastic paraplegia. Identifiers: MedGen C0037772, HP:0001258.

Allele frequency attached by ClinVar (database versions not stated): gnomAD exomes below 0.00001.
gnomAD v4.1: 5 of 1,180,617 alleles (0.00042%); highest among the groups gnomAD compares: Non-Finnish European, 0.00057%; no homozygotes.

Submission:

Labcorp Genetics (formerly Invitae), Labcorp
Classification: Uncertain significance for Spastic paraplegia. Last evaluated: 2023-07-08. Review status: criteria provided, single submitter. Criteria: Invitae Variant Classification Sherloc (09022015). Collection method: clinical testing. Allele origin: germline.
Comment: This sequence change replaces methionine, which is neutral and non-polar, with leucine, which is neutral and non-polar, at codon 459 of the SLC16A2 protein (p.Met459Leu). In summary, the available evidence is currently insufficient to determine the role of this variant in disease. Therefore, it has been classified as a Variant of Uncertain Significance. Advanced modeling of protein sequence and biophysical properties (such as structural, functional, and spatial information, amino acid conservation, physicochemical variation, residue mobility, and thermodynamic stability) performed at Invitae indicates that this missense variant is not expected to disrupt SLC16A2 protein function. This variant has not been reported in the literature in individuals affected with SLC16A2-related conditions. The frequency data for this variant in the population databases is considered unreliable, as metrics indicate poor data quality at this position in the gnomAD database.

NM_006517.5(SLC16A2):c.1375A>T (p.Met459Leu)

Gene: SLC16A2 (solute carrier family 16 member 2; plus strand). Cytogenetic location: Xq13.2.
Variant type: single nucleotide variant.
Coding change: c.1375A>T on transcript NM_006517.5 (MANE Select); coding-DNA position 1375, A replaced by T.
Protein change: p.Met459Leu; replaces methionine 459 with leucine.
Molecular consequence: missense variant.
Genome position (GRCh38, 1-based): chrX:74,529,417, A>T. VCF-style: chrX-74529417-A-T. GRCh37 (hg19) VCF-style: chrX-73749252-A-T.
Other names: short protein forms M459L.
Identifiers: ClinVar variation 2849175 (VCV002849175.3), dbSNP rs1244015830, ClinGen allele CA413658605.